The following is an entry in ClinVar:

NM_001433705.1(NLRP5):c.2786G>A (p.Cys929Tyr)

Gene: NLRP5 (NLR family pyrin domain containing 5; plus strand). Cytogenetic location: 19q13.43.
Variant type: single nucleotide variant.
Coding change: c.2786G>A on transcript NM_001433705.1 (MANE Select); coding-DNA position 2786, G replaced by A.
Protein change: p.Cys929Tyr; replaces cysteine 929 with tyrosine.
Molecular consequence: missense variant.
Genome position (GRCh38, 1-based): chr19:56,041,074, G>A. VCF-style: chr19-56041074-G-A. GRCh37 (hg19) VCF-style: chr19-56552440-G-A.
Other names: NM_153447.4:c.2939G>A; short protein forms C929Y.
Identifiers: ClinVar variation 1128815 (VCV001128815.34), dbSNP rs370931495, ClinGen allele CA9686059.
Genomic context (GRCh38, chr19:56,041,074, plus strand): 5'-ACAACAGCCTGGGGAACGAAGGTGTAAATCTACTGTGTCGATCCATGAGGCTTCCCCACT[G>A]TAGTCTGCAGAGGCTGATGTGAGTCTGGCTTGCTCCCCTGCAAGGACTTCCTAGCTTTCT-3'
Protein context (NP_001420634.1, residues 919-939): LLCRSMRLPH[Cys929Tyr]SLQRLMLNQC

ClinVar aggregate classification (germline): Conflicting classifications of pathogenicity. Review status: criteria provided, conflicting classifications (1 of 4 stars). 4 submissions from 4 submitters: Uncertain significance (1); Likely benign (3). Last evaluated 2024-09-10.

Allele frequency attached by ClinVar (database versions not stated): ESP Exome Variant Server 0.00008; ExAC 0.00015; gnomAD 0.00016 and 0.00017; gnomAD exomes 0.00017 and 0.00020; TOPMed 0.00023.
gnomAD v4.1: 294 of 1,613,948 alleles (0.018%); highest among the groups gnomAD compares: Middle Eastern, 0.18%; no homozygotes.

Submissions (4):

Ambry Genetics
Classification: Uncertain significance. Last evaluated: 2024-09-10. Review status: criteria provided, single submitter. Criteria: Ambry Variant Classification Scheme 2023. Collection method: clinical testing. Allele origin: germline.

Labcorp Genetics (formerly Invitae), Labcorp
Classification: Likely benign. Last evaluated: 2023-07-26. Review status: criteria provided, single submitter. Criteria: Invitae Variant Classification Sherloc (09022015). Collection method: clinical testing. Allele origin: germline.

CeGaT Center for Human Genetics Tuebingen
Classification: Likely benign. Last evaluated: 2022-06-01. Review status: criteria provided, single submitter. Criteria: CeGaT Center For Human Genetics Tuebingen Variant Classification Criteria Version 2. Collection method: clinical testing. Allele origin: germline. Affected: yes. Observed: 1 variant allele.
Comment: NLRP5: BP4

Breakthrough Genomics
Classification: Likely benign. Review status: criteria provided, single submitter. Criteria: ACMG Guidelines, 2015. Collection method: not provided. Allele origin: germline. Inheritance: Unknown mechanism. Affected: yes.